The following is an entry in ClinVar:

ClinVar aggregate classification (germline): Uncertain significance. Review status: criteria provided, multiple submitters, no conflicts (2 of 4 stars). 3 submissions from 3 submitters: Uncertain significance (3). Last evaluated 2025-07-15.

Conditions:
Inborn genetic diseases. Identifiers: MedGen C0950123, MeSH D030342.

gnomAD v4.1: 35 of 1,613,338 alleles (0.0022%); highest among the groups gnomAD compares: Non-Finnish European, 0.0029%; no homozygotes.

Submissions (3):

Labcorp Genetics (formerly Invitae), Labcorp
Classification: Uncertain significance. Last evaluated: 2025-07-15. Review status: criteria provided, single submitter. Criteria: Invitae Variant Classification Sherloc (09022015). Collection method: clinical testing. Allele origin: germline.
Comment: This sequence change replaces phenylalanine, which is neutral and non-polar, with cysteine, which is neutral and slightly polar, at codon 1357 of the NALCN protein (p.Phe1357Cys). This variant is present in population databases (no rsID available, gnomAD 0.003%). This variant has not been reported in the literature in individuals affected with NALCN-related conditions. ClinVar contains an entry for this variant (Variation ID: 3383733). Invitae Evidence Modeling of protein sequence and biophysical properties (such as structural, functional, and spatial information, amino acid conservation, physicochemical variation, residue mobility, and thermodynamic stability) indicates that this missense variant is expected to disrupt NALCN protein function with a positive predictive value of 80%. In summary, the available evidence is currently insufficient to determine the role of this variant in disease. Therefore, it has been classified as a Variant of Uncertain Significance.

Ambry Genetics
Classification: Uncertain significance for Inborn genetic diseases. Last evaluated: 2025-05-23. Review status: criteria provided, single submitter. Criteria: Ambry Variant Classification Scheme 2023. Collection method: clinical testing. Allele origin: germline.

GeneDx
Classification: Uncertain significance. Last evaluated: 2024-05-30. Review status: criteria provided, single submitter. Criteria: GeneDx Variant Classification Process June 2021. Collection method: clinical testing. Allele origin: germline. Affected: yes.
Comment: In silico analysis supports that this missense variant has a deleterious effect on protein structure/function; Has not been previously published as pathogenic or benign to our knowledge

NM_052867.4(NALCN):c.4070T>G (p.Phe1357Cys)

Gene: NALCN (sodium leak channel, non-selective; minus strand). Cytogenetic location: 13q32.3.
Variant type: single nucleotide variant.
Coding change: c.4070T>G on transcript NM_052867.4 (MANE Select); coding-DNA position 4070, T replaced by G.
Protein change: p.Phe1357Cys; replaces phenylalanine 1357 with cysteine.
Molecular consequence: missense variant.
Genome position (GRCh38, 1-based): chr13:101,074,547, A>C on the plus strand (T>G on the coding strand, the complement: NALCN is on the minus strand). VCF-style: chr13-101074547-A-C. GRCh37 (hg19) VCF-style: chr13-101726898-A-C.
Other names: c.4157T>G, p.Phe1386Cys (NM_001350748.2); c.4070T>G, p.Phe1357Cys (NM_001350749.2); c.3983T>G, p.Phe1328Cys (NM_001350750.2, NM_001350751.2); short protein forms F1328C, F1357C, F1386C.
Identifiers: ClinVar variation 3383733 (VCV003383733.4).
Genomic context (GRCh38, chr13:101,074,547, plus strand): 5'-TGAATAGAAAGATAAGTATATACCAACCTGTTAATATTCTCCCCATATTTCACAGTACCA[A>C]ATAAAACAACTCCAGCAAAAGCGTAACACAGCAGCAAGAGAAACATGCCTACTATGATAA-3'
Protein context (NP_443099.1, residues 1347-1367): LCYAFAGVVL[Phe1357Cys]GTVKYGENIN